The following is an entry in ClinVar:

NM_030632.3(ASXL3):c.2084T>C (p.Met695Thr)

Gene: ASXL3 (ASXL transcriptional regulator 3; plus strand). Cytogenetic location: 18q12.1.
Variant type: single nucleotide variant.
Coding change: c.2084T>C on transcript NM_030632.3 (MANE Select); coding-DNA position 2084, T replaced by C.
Protein change: p.Met695Thr; replaces methionine 695 with threonine.
Molecular consequence: missense variant.
Genome position (GRCh38, 1-based): chr18:33,739,488, T>C. VCF-style: chr18-33739488-T-C. GRCh37 (hg19) VCF-style: chr18-31319452-T-C.
Other names: short protein forms M695T.
Identifiers: ClinVar variation 4686402 (VCV004686402.1).
Genomic context (GRCh38, chr18:33,739,488, plus strand): 5'-CTTTGATGTCAGAAATATCTCCAATATCCACTTCACCTGAAATATCAGAAGCATCTCTTA[T>C]GTCCAACTTACCATTAACATCTGAAGCATCACCAGTATCCAACTTACCTTTAACATCAGA-3'
Protein context (NP_085135.1, residues 685-705): TSPEISEASL[Met695Thr]SNLPLTSEAS

ClinVar aggregate classification (germline): Uncertain significance (1 of 4 stars; one submission).

gnomAD v4.1: 3 of 1,613,998 alleles (0.00019%); highest among the groups gnomAD compares: Non-Finnish European, 0.00025%; no homozygotes.

Submission:

GeneDx
Classification: Uncertain significance. Last evaluated: 2025-07-17. Review status: criteria provided, single submitter. Criteria: GeneDx Variant Classification Process June 2021. Collection method: clinical testing. Allele origin: germline. Affected: yes.
Comment: Not observed at significant frequency in large population cohorts (gnomAD); In silico analysis suggests that this missense variant does not alter protein structure/function; Has not been previously published as pathogenic or benign to our knowledge